The following is an entry in ClinVar:

ClinVar aggregate classification (germline): Uncertain significance (1 of 4 stars; one submission).

Conditions:
Myofibrillar myopathy 6. Identifiers: Orphanet 199340, MedGen C2751831, MONDO:0013061, OMIM 612954.
Dilated cardiomyopathy 1HH (CMD1HH). Identifiers: Orphanet 154, MedGen C3151293, MONDO:0013479, OMIM 613881.

Allele frequency attached by ClinVar (database versions not stated): gnomAD exomes 0.00001.
gnomAD v4.1: 9 of 1,614,226 alleles (0.00056%); highest among the groups gnomAD compares: Non-Finnish European, 0.00076%; no homozygotes.

Submission:

Labcorp Genetics (formerly Invitae), Labcorp
Classification: Uncertain significance for Dilated cardiomyopathy 1HH; Myofibrillar myopathy 6. Last evaluated: 2024-12-04. Review status: criteria provided, single submitter. Criteria: Invitae Variant Classification Sherloc (09022015). Collection method: clinical testing. Allele origin: germline.
Comment: This sequence change replaces histidine, which is basic and polar, with tyrosine, which is neutral and polar, at codon 248 of the BAG3 protein (p.His248Tyr). This variant is present in population databases (no rsID available, gnomAD 0.0009%). This variant has not been reported in the literature in individuals affected with BAG3-related conditions. ClinVar contains an entry for this variant (Variation ID: 1984720). Invitae Evidence Modeling of protein sequence and biophysical properties (such as structural, functional, and spatial information, amino acid conservation, physicochemical variation, residue mobility, and thermodynamic stability) indicates that this missense variant is not expected to disrupt BAG3 protein function with a negative predictive value of 80%. In summary, the available evidence is currently insufficient to determine the role of this variant in disease. Therefore, it has been classified as a Variant of Uncertain Significance.

NM_004281.4(BAG3):c.742C>T (p.His248Tyr)

Gene: BAG3 (BAG cochaperone 3; plus strand). Cytogenetic location: 10q26.11.
Variant type: single nucleotide variant.
Coding change: c.742C>T on transcript NM_004281.4 (MANE Select); coding-DNA position 742, C replaced by T.
Protein change: p.His248Tyr; replaces histidine 248 with tyrosine.
Molecular consequence: missense variant.
Genome position (GRCh38, 1-based): chr10:119,672,489, C>T. VCF-style: chr10-119672489-C-T. GRCh37 (hg19) VCF-style: chr10-121432001-C-T.
Other names: short protein forms H248Y.
Identifiers: ClinVar variation 1984720 (VCV001984720.4), dbSNP rs753879943, ClinGen allele CA378295707.
Genomic context (GRCh38, chr10:119,672,489, plus strand): 5'-GCCCAGAAGACGCACTACCCAGCGCAGCAGGGGGAGTACCAGACCCACCAGCCTGTGTAC[C>T]ACAAGATCCAGGGGGATGACTGGGAGCCCCGGCCCCTGCGGGCGGCATCCCCGTTCAGGT-3'
Protein context (NP_004272.2, residues 238-258): GEYQTHQPVY[His248Tyr]KIQGDDWEPR